The following is an entry in ClinVar:

NM_015046.7(SETX):c.2401A>G (p.Lys801Glu)

Gene: SETX (senataxin; minus strand). Cytogenetic location: 9q34.13.
Variant type: single nucleotide variant.
Coding change: c.2401A>G on transcript NM_015046.7 (MANE Select); coding-DNA position 2401, A replaced by G.
Protein change: p.Lys801Glu; replaces lysine 801 with glutamic acid.
Molecular consequence: missense variant.
Genome position (GRCh38, 1-based): chr9:132,329,197, T>C on the plus strand (A>G on the coding strand, the complement: SETX is on the minus strand). VCF-style: chr9-132329197-T-C. GRCh37 (hg19) VCF-style: chr9-135204584-T-C.
Other names: c.2401A>G, p.Lys801Glu (NM_001351527.2, NM_001351528.2); short protein forms K801E.
Identifiers: ClinVar variation 426355 (VCV000426355.19), dbSNP rs149718424, ClinGen allele CA5297601.

ClinVar aggregate classification (germline): Benign/Likely benign. Review status: criteria provided, multiple submitters, no conflicts (2 of 4 stars). 8 submissions from 7 submitters: Benign (1); Likely benign (7). Last evaluated 2026-01-24.

Conditions:
Spinocerebellar ataxia, autosomal recessive, with axonal neuropathy 2 (SCAN2). Also called: ATAXIA-OCULOMOTOR APRAXIA 2; Ataxia with Oculomotor Apraxia; Ataxia with Oculomotor Apraxia Type 2; Ataxia-ocular apraxia-2. Identifiers: Orphanet 64753, MedGen C1853761, MONDO:0018996, OMIM 606002.
Amyotrophic lateral sclerosis type 4 (ALS4). Also called: NEURONOPATHY, DISTAL HEREDITARY MOTOR, WITH PYRAMIDAL FEATURES; AMYOTROPHIC LATERAL SCLEROSIS 4, JUVENILE. Identifiers: Orphanet 357043, MedGen C1865409, MONDO:0011223, OMIM 602433.
Inborn genetic diseases. Identifiers: MedGen C0950123, MeSH D030342.

Allele frequency attached by ClinVar (database versions not stated): gnomAD exomes 0.00020 and 0.00057; ExAC 0.00061; 1000 Genomes Project 0.00140; 1000 Genomes Project 30x 0.00172; gnomAD 0.00210 and 0.00229; TOPMed 0.00241; ESP Exome Variant Server 0.00261.
gnomAD v4.1: 623 of 1,613,712 alleles (0.039%); highest among the groups gnomAD compares: African/African-American, 0.66%; 3 homozygotes.

Submissions (8):

Labcorp Genetics (formerly Invitae), Labcorp
Classification: Likely benign for Amyotrophic lateral sclerosis type 4; Spinocerebellar ataxia, autosomal recessive, with axonal neuropathy 2. Last evaluated: 2026-01-24. Review status: criteria provided, single submitter. Criteria: Invitae Variant Classification Sherloc (09022015). Collection method: clinical testing. Allele origin: germline.

Blueprint Genetics
Classification: Likely benign. Last evaluated: 2024-10-22. Review status: criteria provided, single submitter. Criteria: ACMG Guidelines, 2015. Collection method: clinical testing. Allele origin: germline.

Genome-Nilou Lab
Classification: Likely benign for Spinocerebellar ataxia, autosomal recessive, with axonal neuropathy 2. Last evaluated: 2023-02-08. Review status: criteria provided, single submitter. Criteria: ACMG Guidelines, 2015. Collection method: clinical testing. Allele origin: germline.

Genome-Nilou Lab
Classification: Likely benign for Amyotrophic lateral sclerosis type 4. Last evaluated: 2023-02-08. Review status: criteria provided, single submitter. Criteria: ACMG Guidelines, 2015. Collection method: clinical testing. Allele origin: germline.

GeneDx
Classification: Likely benign. Last evaluated: 2021-05-27. Review status: criteria provided, single submitter. Criteria: GeneDx Variant Classification Process June 2021. Collection method: clinical testing. Allele origin: germline. Affected: yes.
Comment: In silico analysis supports that this missense variant does not alter protein structure/function; Has not been previously reported in peer-reviewed literature as pathogenic or benign to our knowledge

Athena Diagnostics
Classification: Benign. Last evaluated: 2020-10-15. Review status: criteria provided, single submitter. Criteria: Athena Diagnostics criteria. Collection method: clinical testing. Allele origin: unknown.

Ambry Genetics
Classification: Likely benign for Inborn genetic diseases. Last evaluated: 2020-02-12. Review status: criteria provided, single submitter. Criteria: Ambry Variant Classification Scheme 2023. Collection method: clinical testing. Allele origin: germline.

Breakthrough Genomics
Classification: Likely benign. Review status: criteria provided, single submitter. Criteria: ACMG Guidelines, 2015. Collection method: not provided. Allele origin: germline. Inheritance: Autosomal recessive inheritance. Affected: yes.